The following is an entry in ClinVar:

ClinVar aggregate classification (germline): Likely pathogenic (1 of 4 stars; one submission).

Conditions:
Leber congenital amaurosis 5 (LCA5). Also called: Amaurosis congenita of Leber, type 5. Identifiers: Orphanet 65, MedGen C1858301, MONDO:0011473, OMIM 604537.

gnomAD v4.1: 1 of 1,612,980 alleles (0.000062%); highest among the groups gnomAD compares: South Asian, 0.0011%; no homozygotes.

Submission:

Natera, Inc.
Classification: Likely pathogenic for Leber congenital amaurosis type 5. Last evaluated: 2025-10-08. Review status: criteria provided, single submitter. Criteria: Natera Variant Classification Schema (03/2026). Collection method: clinical testing. Allele origin: germline.
Comment: The c.1073G>A variant in LCA5 is a nonsense variant predicted to introduce a stop codon at amino acid 358. This variant is expected to result in nonsense mediated decay, truncation, or a dysfunctional protein product. This variant is rare in the general population with a frequency below the threshold expected for the associated phenotype(s). Given the available evidence, this variant is classified as Likely Pathogenic.

NM_001122769.3(LCA5):c.1073G>A (p.Trp358Ter)

Gene: LCA5 (lebercilin LCA5; minus strand). Cytogenetic location: 6q14.1.
Variant type: single nucleotide variant.
Coding change: c.1073G>A on transcript NM_001122769.3 (MANE Select); coding-DNA position 1073, G replaced by A.
Protein change: p.Trp358Ter; replaces tryptophan 358 with a stop codon.
Molecular consequence: nonsense.
Genome position (GRCh38, 1-based): chr6:79,491,613, C>T on the plus strand (G>A on the coding strand, the complement: LCA5 is on the minus strand). VCF-style: chr6-79491613-C-T. GRCh37 (hg19) VCF-style: chr6-80201330-C-T.
Other names: c.1073G>A, p.Trp358Ter (NM_181714.4); short protein forms W358*.
Identifiers: ClinVar variation 4816980 (VCV004816980.1).